The following is an entry in ClinVar:

NM_001854.4(COL11A1):c.2098-90G>A

Gene: COL11A1 (collagen type XI alpha 1 chain; minus strand). Cytogenetic location: 1p21.1.
Variant type: single nucleotide variant.
Coding change: c.2098-90G>A on transcript NM_001854.4 (MANE Select); 90 bases into the intron before coding-DNA position 2098, G replaced by A.
Molecular consequence: intron variant.
Genome position (GRCh38, 1-based): chr1:103,002,059, C>T on the plus strand (G>A on the coding strand, the complement: COL11A1 is on the minus strand). VCF-style: chr1-103002059-C-T. GRCh37 (hg19) VCF-style: chr1-103467615-C-T.
Other names: c.1981-90G>A (NM_001190709.2); c.2134-90G>A (NM_080629.3); c.1750-90G>A (NM_080630.4).
Identifiers: ClinVar variation 674751 (VCV000674751.2), dbSNP rs2929162, ClinGen allele CA10987249.

ClinVar aggregate classification (germline): Benign. Review status: criteria provided, multiple submitters, no conflicts (2 of 4 stars). 2 submissions from 2 submitters: Benign (2). Last evaluated 2018-06-14.

Allele frequency attached by ClinVar (database versions not stated): TOPMed 0.91184; gnomAD 0.91372 and 0.91829; 1000 Genomes Project 30x 0.92146; 1000 Genomes Project 0.92412; gnomAD exomes 0.96344.
gnomAD v4.1: 1,004,262 of 1,049,966 alleles (96%); highest among the groups gnomAD compares: East Asian, 100%; 481,325 homozygotes.

Submissions (2):

GeneDx
Classification: Benign. Last evaluated: 2018-06-14. Review status: criteria provided, single submitter. Criteria: GeneDx Variant Classification (06012015). Collection method: clinical testing. Allele origin: germline. Affected: yes.
Comment: This variant is considered likely benign or benign based on one or more of the following criteria: it is a conservative change, it occurs at a poorly conserved position in the protein, it is predicted to be benign by multiple in silico algorithms, and/or has population frequency not consistent with disease.

Breakthrough Genomics
Classification: Benign. Review status: criteria provided, single submitter. Criteria: ACMG Guidelines, 2015. Collection method: not provided. Allele origin: germline. Inheritance: Autosomal recessive inheritance. Affected: yes.